The following is an entry in ClinVar:

NM_025137.4(SPG11):c.6121A>G (p.Thr2041Ala)

Gene: SPG11 (SPG11 vesicle trafficking associated, spatacsin; minus strand). Cytogenetic location: 15q21.1.
Variant type: single nucleotide variant.
Coding change: c.6121A>G on transcript NM_025137.4 (MANE Select); coding-DNA position 6121, A replaced by G.
Protein change: p.Thr2041Ala; replaces threonine 2041 with alanine.
Molecular consequence: missense variant. On other transcripts: intron variant (1).
Genome position (GRCh38, 1-based): chr15:44,573,631, T>C on the plus strand (A>G on the coding strand, the complement: SPG11 is on the minus strand). VCF-style: chr15-44573631-T-C. GRCh37 (hg19) VCF-style: chr15-44865829-T-C.
Other names: c.5977A>G, p.Thr1993Ala (NM_001411132.1); c.5867-811A>G (NM_001160227.2); short protein forms T1993A, T2041A.
Identifiers: ClinVar variation 1722204 (VCV001722204.5), dbSNP rs2505229966, ClinGen allele CA392218260.
Genomic context (GRCh38, chr15:44,573,631, plus strand): 5'-GCTCCCGTGTCACCTCTTCTGCCACGAGTTCAGCCACAGTATCTGGCTTAAGGCCCTGTG[T>C]GCTGATGAAGGCCTGGGCTCGTTTGCATCGGTCAGGCTGCTGAGAGGCCAAGATTTTCCG-3'
Protein context (NP_079413.3, residues 2031-2051): RCKRAQAFIS[Thr2041Ala]QGLKPDTVAE

ClinVar aggregate classification (germline): Uncertain significance (1 of 4 stars; one submission).

Conditions:
Hereditary spastic paraplegia 11. Also called: Spastic paraplegia, mental retardation and thin corpus callosum; SPASTIC PARAPLEGIA, AUTOSOMAL RECESSIVE, COMPLICATED, WITH THIN CORPUS CALLOSUM; SPASTIC PARAPLEGIA, AUTOSOMAL RECESSIVE, WITH MENTAL IMPAIRMENT AND THIN CORPUS CALLOSUM; Nakamura Osame syndrome; Autosomal recessive hereditary spastic paraplegia, mental impairment, and thin corpus callosum; Spastic Paraplegia 11. Identifiers: Orphanet 2822, MedGen C1858479, MONDO:0011445, OMIM 604360.

Submission:

Labcorp Genetics (formerly Invitae), Labcorp
Classification: Uncertain significance for Hereditary spastic paraplegia 11. Last evaluated: 2022-10-26. Review status: criteria provided, single submitter. Criteria: Invitae Variant Classification Sherloc (09022015). Collection method: clinical testing. Allele origin: germline.
Comment: In summary, the available evidence is currently insufficient to determine the role of this variant in disease. Therefore, it has been classified as a Variant of Uncertain Significance. Advanced modeling of protein sequence and biophysical properties (such as structural, functional, and spatial information, amino acid conservation, physicochemical variation, residue mobility, and thermodynamic stability) performed at Invitae indicates that this missense variant is not expected to disrupt SPG11 protein function. This sequence change replaces threonine, which is neutral and polar, with alanine, which is neutral and non-polar, at codon 2041 of the SPG11 protein (p.Thr2041Ala). This variant is not present in population databases (gnomAD no frequency). This variant has not been reported in the literature in individuals affected with SPG11-related conditions.